The following is an entry in ClinVar:

ClinVar aggregate classification (germline): Uncertain significance (1 of 4 stars; one submission).

Conditions:
Familial long QT syndrome (RWS). Also called: VENTRICULAR FIBRILLATION WITH PROLONGED QT INTERVAL; Romano-Ward syndrome; Congenital long QT syndrome. Identifiers: Orphanet 768, MedGen C1141890, MONDO:0019171.

Submission:

Strand Center for Genomics and Personalized Medicine, Strand Life Sciences Pvt Ltd
Classification: Uncertain significance for Familial long QT syndrome. Review status: criteria provided, single submitter. Criteria: Strand Life Sciences Variant classification assertion Criteria. Collection method: clinical testing. Allele origin: germline. Inheritance: Autosomal dominant inheritance. Affected: yes. Observed: 1 variant allele, 1 heterozygote.
Comment: While this variant hasn't been reported in any earlier clinical studies, several ANK2 variants have been associated with LQTS. ANK2 loss of function variants are known to interfere with the intermolecular interactions of ANK2 leading to mislocalization of ANK-associated membrane proteins, thereby disrupting cardiomyocyte excitability. In vitro analyses of various ANK2 variants associated with LQTS have revealed that loss of activity variants such as p.Gln1404Ile, p.Thr1552Asn and p.Thr1626Asn, retain normal localization of InsP(3) receptor and Na/Ca exchanger but causes abnormal contraction rates and aberrant spatial temporal pattern of calcium release; while the loss of function variants associated with LQTS such as p.Glu1425Gly, p.Val1516Asp and p.Arg1788Trp abolish localization of InsP(3) receptor and the Na/Ca exchanger and are associated with decreased contraction rates and more severe arrhythmia phenotypes in the patients [PMID:17242276].

Literature cited by the submitters: PubMed 17242276.

NM_001148.6(ANK2):c.10243A>G (p.Thr3415Ala)

Gene: ANK2 (ankyrin 2; plus strand). Cytogenetic location: 4q26.
Variant type: single nucleotide variant.
Coding change: c.10243A>G on transcript NM_001148.6 (MANE Select); coding-DNA position 10243, A replaced by G.
Protein change: p.Thr3415Ala; replaces threonine 3415 with alanine.
Molecular consequence: missense variant. On other transcripts: intron variant (68).
Genome position (GRCh38, 1-based): chr4:113,358,861, A>G. VCF-style: chr4-113358861-A-G. GRCh37 (hg19) VCF-style: chr4-114280017-A-G.
Other names: c.10009A>G, p.Thr3337Ala (NM_001386142.1); c.6643A>G, p.Thr2215Ala (NM_001386166.1); c.10384A>G, p.Thr3462Ala (NM_001386174.1); c.10360A>G, p.Thr3454Ala (NM_001386175.1); c.4412-1962A>G (NM_001386186.2, NM_001386148.2); c.4214-1962A>G (NM_001354269.3); c.4292-1962A>G (NM_001386187.2); c.4253-1962A>G (NM_001386147.1); and 35 more; short protein forms T3415A, T2215A, T3337A, T3454A, T3462A.
Identifiers: ClinVar variation 219174 (VCV000219174.3), dbSNP rs864321653, ClinGen allele CA339711.